The following is an entry in ClinVar:

NM_000637.5(GSR):c.878C>G (p.Ser293Cys)

Gene: GSR (glutathione-disulfide reductase; minus strand). Cytogenetic location: 8p12.
Variant type: single nucleotide variant.
Coding change: c.878C>G on transcript NM_000637.5 (MANE Select); coding-DNA position 878, C replaced by G.
Protein change: p.Ser293Cys; replaces serine 293 with cysteine.
Molecular consequence: missense variant. On other transcripts: intron variant (2).
Genome position (GRCh38, 1-based): chr8:30,692,973, G>C on the plus strand (C>G on the coding strand, the complement: GSR is on the minus strand). VCF-style: chr8-30692973-G-C. GRCh37 (hg19) VCF-style: chr8-30550490-G-C.
Other names: p.Ser293Cys; c.878C>G (NM_000637.3); c.878C>G, p.Ser293Cys (NM_001195103.3); c.795+3407C>G (NM_001195104.3, NM_001195102.3); short protein forms S293C.
Identifiers: ClinVar variation 811067 (VCV000811067.11), dbSNP rs762024253, ClinGen allele CA4701361.

ClinVar aggregate classification (germline): Uncertain significance. Review status: criteria provided, multiple submitters, no conflicts (2 of 4 stars). 3 submissions from 3 submitters: Uncertain significance (3). Last evaluated 2022-05-18.

Conditions:
Hemolytic anemia due to glutathione reductase deficiency (CNSHA10). Also called: ANEMIA, CONGENITAL, NONSPHEROCYTIC HEMOLYTIC, 10. Identifiers: Orphanet 90030, MedGen C5231513, MONDO:0019531, OMIM 618660.

Allele frequency attached by ClinVar (database versions not stated): ExAC 0.00001; gnomAD exomes 0.00001; gnomAD 0.00006 and 0.00008; TOPMed 0.00007.
gnomAD v4.1: 26 of 1,604,868 alleles (0.0016%); highest among the groups gnomAD compares: African/African-American, 0.029%; no homozygotes.

Submissions (3):

Mayo Clinic Laboratories, Mayo Clinic
Classification: Uncertain significance. Last evaluated: 2022-05-18. Review status: criteria provided, single submitter. Criteria: ACMG Guidelines, 2015. Collection method: clinical testing. Allele origin: germline. Observed: 3 variant alleles.
Comment: BP4, PM2

Revvity Omics, Revvity
Classification: Uncertain significance for Hemolytic anemia due to glutathione reductase deficiency. Last evaluated: 2019-10-11. Review status: criteria provided, single submitter. Criteria: ACMG Guidelines, 2015. Collection method: clinical testing. Allele origin: germline.

ARUP Laboratories, Molecular Genetics and Genomics, ARUP Laboratories
Classification: Uncertain significance. Last evaluated: 2018-07-09. Review status: criteria provided, single submitter. Criteria: ARUP Molecular Germline Variant Investigation Process. Collection method: clinical testing. Allele origin: germline.